The following is an entry in ClinVar:

ClinVar aggregate classification (germline): Uncertain significance (1 of 4 stars; one submission).

Conditions:
Long chain 3-hydroxyacyl-CoA dehydrogenase deficiency. Also called: Deficiency of long-chain 3-hydroxyacyl-coenzyme A dehydrogenase; LCHAD Deficiency. Identifiers: Orphanet 5, MedGen C3711645, MONDO:0012173, OMIM 609016.
Mitochondrial trifunctional protein deficiency. Identifiers: Orphanet 746, MedGen C1969443, MONDO:0012172.

Allele frequency attached by ClinVar (database versions not stated): gnomAD 0.00001.
gnomAD v4.1: 2 of 1,515,444 alleles (0.00013%); highest among the groups gnomAD compares: African/African-American, 0.0014%; no homozygotes.

Submission:

Labcorp Genetics (formerly Invitae), Labcorp
Classification: Uncertain significance for Mitochondrial trifunctional protein deficiency; Long chain 3-hydroxyacyl-CoA dehydrogenase deficiency. Last evaluated: 2024-10-17. Review status: criteria provided, single submitter. Criteria: Invitae Variant Classification Sherloc (09022015). Collection method: clinical testing. Allele origin: germline.
Comment: This sequence change replaces valine, which is neutral and non-polar, with glycine, which is neutral and non-polar, at codon 667 of the HADHA protein (p.Val667Gly). This variant is not present in population databases (gnomAD no frequency). This variant has not been reported in the literature in individuals affected with HADHA-related conditions. ClinVar contains an entry for this variant (Variation ID: 1498829). An algorithm developed to predict the effect of missense changes on protein structure and function (PolyPhen-2) suggests that this variant is likely to be tolerated. In summary, the available evidence is currently insufficient to determine the role of this variant in disease. Therefore, it has been classified as a Variant of Uncertain Significance.

NM_000182.5(HADHA):c.2000T>G (p.Val667Gly)

Genes: GAREM2 (GRB2 associated regulator of MAPK1 subtype 2; plus strand), HADHA (hydroxyacyl-CoA dehydrogenase trifunctional multienzyme complex subunit alpha; minus strand). Cytogenetic location: 2p23.3.
Variant type: single nucleotide variant.
Coding change: c.2000T>G on transcript NM_000182.5 (MANE Select); coding-DNA position 2000, T replaced by G.
Protein change: p.Val667Gly; replaces valine 667 with glycine.
Molecular consequence: missense variant.
Genome position (GRCh38, 1-based): chr2:26,192,310, A>C on the plus strand (T>G on the coding strand, the complement: HADHA is on the minus strand). VCF-style: chr2-26192310-A-C. GRCh37 (hg19) VCF-style: chr2-26415179-A-C.
Other names: short protein forms V667G.
Identifiers: ClinVar variation 1498829 (VCV001498829.6), dbSNP rs1669530550, ClinGen allele CA346114188.
Genomic context (GRCh38, chr2:26,192,310, plus strand): 5'-GAAGCTTTGGGCTGTCAGAGAAAGTCAATTTCCAGGCATTAGCCACTCAAACGGACTTAC[A>C]CTTCAGACTTAGGAGGCAGCTTCAGACTCGCTAAAATACTATCCATGTCAGAATTCAAAT-3'
Protein context (NP_000173.2, residues 657-677): ASLKLPPKSE[Val667Gly]SSDEDIQFRL